The following is an entry in ClinVar:

NM_014727.3(KMT2B):c.1034G>A (p.Gly345Glu)

Gene: KMT2B (lysine methyltransferase 2B; plus strand). Cytogenetic location: 19q13.12.
Variant type: single nucleotide variant.
Coding change: c.1034G>A on transcript NM_014727.3 (MANE Select); coding-DNA position 1034, G replaced by A.
Protein change: p.Gly345Glu; replaces glycine 345 with glutamic acid.
Molecular consequence: missense variant.
Genome position (GRCh38, 1-based): chr19:35,720,381, G>A. VCF-style: chr19-35720381-G-A. GRCh37 (hg19) VCF-style: chr19-36211283-G-A.
Other names: c.1034G>A (NM_014727.1); short protein forms G345E.
Identifiers: ClinVar variation 2854906 (VCV002854906.4), dbSNP rs768589633, ClinGen allele CA9384165.

ClinVar aggregate classification (germline): Uncertain significance. Review status: criteria provided, multiple submitters, no conflicts (2 of 4 stars). 2 submissions from 2 submitters: Uncertain significance (2). Last evaluated 2024-03-04.

Conditions:
Inborn genetic diseases. Identifiers: MedGen C0950123, MeSH D030342.

Allele frequency attached by ClinVar (database versions not stated): gnomAD exomes below 0.00001; ExAC 0.00002.
gnomAD v4.1: 5 of 1,590,508 alleles (0.00031%); highest among the groups gnomAD compares: South Asian, 0.0046%; no homozygotes.

Submissions (2):

Ambry Genetics
Classification: Uncertain significance for Inborn genetic diseases. Last evaluated: 2024-03-04. Review status: criteria provided, single submitter. Criteria: Ambry Variant Classification Scheme 2023. Collection method: clinical testing. Allele origin: germline.

Labcorp Genetics (formerly Invitae), Labcorp
Classification: Uncertain significance. Last evaluated: 2023-08-10. Review status: criteria provided, single submitter. Criteria: Invitae Variant Classification Sherloc (09022015). Collection method: clinical testing. Allele origin: germline.
Comment: In summary, the available evidence is currently insufficient to determine the role of this variant in disease. Therefore, it has been classified as a Variant of Uncertain Significance. Algorithms developed to predict the effect of missense changes on protein structure and function output the following: SIFT: "Not Available"; PolyPhen-2: "Not Available"; Align-GVGD: "Not Available". The glutamic acid amino acid residue is found in multiple mammalian species, which suggests that this missense change does not adversely affect protein function. This variant has not been reported in the literature in individuals affected with KMT2B-related conditions. The frequency data for this variant in the population databases is considered unreliable, as metrics indicate poor data quality at this position in the gnomAD database. This sequence change replaces glycine, which is neutral and non-polar, with glutamic acid, which is acidic and polar, at codon 345 of the KMT2B protein (p.Gly345Glu).